The following is an entry in ClinVar:

ClinVar aggregate classification (germline): Benign. Review status: criteria provided, multiple submitters, no conflicts (2 of 4 stars). 2 submissions from 2 submitters: Benign (2). Last evaluated 2018-01-13.

Conditions:
Chondrodysplasia with joint dislocations, gPAPP type. Also called: GPAPP DEFICIENCY. Identifiers: Orphanet 280586, MedGen C3279757, MONDO:0013561, OMIM 614078.

Allele frequency attached by ClinVar (database versions not stated): gnomAD 0.06242 and 0.06703; TOPMed 0.07092; 1000 Genomes Project 30x 0.09822; 1000 Genomes Project 0.09924.

Submissions (2):

Illumina Laboratory Services, Illumina
Classification: Benign for Chondrodysplasia with joint dislocations, gPAPP type. Last evaluated: 2018-01-13. Review status: criteria provided, single submitter. Criteria: ICSL Variant Classification Criteria 13 December 2019. Collection method: clinical testing. Allele origin: germline.
Comment: This variant was observed in the ICSL laboratory as part of a predisposition screen in an ostensibly healthy population. It had not been previously curated by ICSL or reported in the Human Gene Mutation Database (HGMD: prior to June 1st, 2018), and was therefore a candidate for classification through an automated scoring system. Utilizing variant allele frequency, disease prevalence and penetrance estimates, and inheritance mode, an automated score was calculated to assess if this variant is too frequent to cause the disease. Based on the score and internal cut-off values, a variant classified as benign is not then subjected to further curation. The score for this variant resulted in a classification of benign for this disease.

Breakthrough Genomics
Classification: Benign. Review status: criteria provided, single submitter. Criteria: ACMG Guidelines, 2015. Collection method: not provided. Allele origin: germline. Inheritance: Autosomal recessive inheritance. Affected: yes.

NM_017813.5(BPNT2):c.*3204A>G

Gene: BPNT2 (3'(2'), 5'-bisphosphate nucleotidase 2; minus strand). Cytogenetic location: 8q12.1.
Variant type: single nucleotide variant.
Coding change: c.*3204A>G on transcript NM_017813.5 (MANE Select); 3204 bases downstream of the stop codon, A replaced by G.
Molecular consequence: 3 prime UTR variant.
Genome position (GRCh38, 1-based): chr8:56,960,589, T>C on the plus strand (A>G on the coding strand, the complement: BPNT2 is on the minus strand). VCF-style: chr8-56960589-T-C. GRCh37 (hg19) VCF-style: chr8-57873148-T-C.
Identifiers: ClinVar variation 363353 (VCV000363353.6), dbSNP rs3739364, ClinGen allele CA10631306.